The following is an entry in ClinVar:

NM_006514.4(SCN10A):c.1034C>T (p.Ala345Val)

Gene: SCN10A (sodium voltage-gated channel alpha subunit 10; minus strand). Cytogenetic location: 3p22.2.
Variant type: single nucleotide variant.
Coding change: c.1034C>T on transcript NM_006514.4 (MANE Select); coding-DNA position 1034, C replaced by T.
Protein change: p.Ala345Val; replaces alanine 345 with valine.
Molecular consequence: missense variant.
Genome position (GRCh38, 1-based): chr3:38,757,076, G>A on the plus strand (C>T on the coding strand, the complement: SCN10A is on the minus strand). VCF-style: chr3-38757076-G-A. GRCh37 (hg19) VCF-style: chr3-38798567-G-A.
Other names: c.1034C>T, p.Ala345Val (NM_001293306.2, NM_001293307.2); short protein forms A345V.
Identifiers: ClinVar variation 5029084 (VCV005029084.1).

ClinVar aggregate classification (germline): Uncertain significance (1 of 4 stars; one submission).

Conditions:
Cardiovascular phenotype. Identifiers: MedGen CN230736.

Submission:

Ambry Genetics
Classification: Uncertain significance for Cardiovascular phenotype. Last evaluated: 2026-07-13. Review status: criteria provided, single submitter. Criteria: Ambry Variant Classification Scheme 2023. Collection method: clinical testing. Allele origin: germline.
Comment: The p.A345V variant (also known as c.1034C>T), located in coding exon 8 of the SCN10A gene, results from a C to T substitution at nucleotide position 1034. The alanine at codon 345 is replaced by valine, an amino acid with similar properties. This amino acid position is conserved. In addition, this alteration is predicted to be deleterious by in silico analysis. Based on the available evidence, the clinical significance of this variant remains unclear.